The following is an entry in ClinVar:

NM_002860.4(ALDH18A1):c.695A>G (p.Asn232Ser)

Gene: ALDH18A1 (aldehyde dehydrogenase 18 family member A1; minus strand). Cytogenetic location: 10q24.1.
Variant type: single nucleotide variant.
Coding change: c.695A>G on transcript NM_002860.4 (MANE Select); coding-DNA position 695, A replaced by G.
Protein change: p.Asn232Ser; replaces asparagine 232 with serine.
Molecular consequence: missense variant.
Genome position (GRCh38, 1-based): chr10:95,633,513, T>C on the plus strand (A>G on the coding strand, the complement: ALDH18A1 is on the minus strand). VCF-style: chr10-95633513-T-C. GRCh37 (hg19) VCF-style: chr10-97393270-T-C.
Other names: c.695A>G, p.Asn232Ser (NM_001017423.2, NM_001323413.2, NM_001323414.2 and 1 more transcripts); c.362A>G, p.Asn121Ser (NM_001323412.2, NM_001323416.2, NM_001323418.2); c.590A>G, p.Asn197Ser (NM_001323417.2); c.59A>G, p.Asn20Ser (NM_001323419.2); short protein forms N232S, N121S, N197S, N20S.
Identifiers: ClinVar variation 2938547 (VCV002938547.3), dbSNP rs2526872541, ClinGen allele CA377705182.

ClinVar aggregate classification (germline): Uncertain significance (1 of 4 stars; one submission).

Conditions:
Cutis laxa, autosomal dominant 3 (ADCL3). Identifiers: Orphanet 90348, MedGen C4225268, MONDO:0014706, OMIM 616603.
Autosomal dominant spastic paraplegia type 9. Identifiers: MedGen C1832669, MONDO:0015091.
de Barsy syndrome. Also called: Cutis laxa-corneal clouding-oligophrenia syndrome. Identifiers: Orphanet 2962, MedGen C0268354, MONDO:0017569.

Allele frequency attached by ClinVar (database versions not stated): gnomAD exomes below 0.00001.
gnomAD v4.1: 1 of 1,614,152 alleles (0.000062%); highest among the groups gnomAD compares: Non-Finnish European, 0.000085%; no homozygotes.

Submission:

Labcorp Genetics (formerly Invitae), Labcorp
Classification: Uncertain significance for Autosomal dominant spastic paraplegia type 9; de Barsy syndrome; Cutis laxa, autosomal dominant 3. Last evaluated: 2023-06-09. Review status: criteria provided, single submitter. Criteria: Invitae Variant Classification Sherloc (09022015). Collection method: clinical testing. Allele origin: germline.
Comment: In summary, the available evidence is currently insufficient to determine the role of this variant in disease. Therefore, it has been classified as a Variant of Uncertain Significance. Advanced modeling of protein sequence and biophysical properties (such as structural, functional, and spatial information, amino acid conservation, physicochemical variation, residue mobility, and thermodynamic stability) performed at Invitae indicates that this missense variant is not expected to disrupt ALDH18A1 protein function. This variant has not been reported in the literature in individuals affected with ALDH18A1-related conditions. This variant is not present in population databases (gnomAD no frequency). This sequence change replaces asparagine, which is neutral and polar, with serine, which is neutral and polar, at codon 232 of the ALDH18A1 protein (p.Asn232Ser).